The following is an entry in ClinVar:

ClinVar aggregate classification (germline): Conflicting classifications of pathogenicity. Review status: criteria provided, conflicting classifications (1 of 4 stars). 2 submissions from 2 submitters: Uncertain significance (1); Likely benign (1). Last evaluated 2026-06-01.

Allele frequency attached by ClinVar (database versions not stated): gnomAD exomes below 0.00001.
gnomAD v4.1: 8 of 1,614,144 alleles (0.0005%); highest among the groups gnomAD compares: Middle Eastern, 0.016%; no homozygotes.

Submissions (2):

CeGaT Center for Human Genetics Tuebingen
Classification: Likely benign. Last evaluated: 2026-06-01. Review status: criteria provided, single submitter. Criteria: CeGaT Center For Human Genetics Tuebingen Variant Classification Criteria Version 2. Collection method: clinical testing. Allele origin: germline. Affected: yes. Observed: 1 variant allele.
Comment: CDK13: BP4

GeneDx
Classification: Uncertain significance. Last evaluated: 2019-07-12. Review status: criteria provided, single submitter. Criteria: GeneDx Variant Classification Process June 2021. Collection method: clinical testing. Allele origin: germline. Affected: yes.
Comment: Not observed in large population cohorts (Lek et al., 2016); In silico analysis, which includes protein predictors and evolutionary conservation, supports that this variant does not alter protein structure/function; Has not been previously published as pathogenic or benign to our knowledge

NM_003718.5(CDK13):c.1721A>G (p.Lys574Arg)

Gene: CDK13 (cyclin dependent kinase 13; plus strand). Cytogenetic location: 7p14.1.
Variant type: single nucleotide variant.
Coding change: c.1721A>G on transcript NM_003718.5 (MANE Select); coding-DNA position 1721, A replaced by G.
Protein change: p.Lys574Arg; replaces lysine 574 with arginine.
Molecular consequence: missense variant.
Genome position (GRCh38, 1-based): chr7:39,988,108, A>G. VCF-style: chr7-39988108-A-G. GRCh37 (hg19) VCF-style: chr7-40027707-A-G.
Other names: c.1721A>G, p.Lys574Arg (NM_031267.4); short protein forms K574R.
Identifiers: ClinVar variation 1307150 (VCV001307150.4), dbSNP rs865901868, ClinGen allele CA157246788.
Genomic context (GRCh38, chr7:39,988,108, plus strand): 5'-TAGATAAAGCCACCAAGAAAGCAGTCATAGTTGGAAAGGAGAGTAAATCTGCTGCTACAA[A>G]GGAGGAATCAGTATCTCTTAAAGAGAAAACCAAACCACTTACACCAAGCATAGGAGCCAA-3'
Protein context (NP_003709.3, residues 564-584): VGKESKSAAT[Lys574Arg]EESVSLKEKT